The following is an entry in ClinVar:

ClinVar aggregate classification (germline): Uncertain significance (1 of 4 stars; one submission).

Conditions:
Autoimmune lymphoproliferative syndrome type 2A (ALPS2A). Also called: Autoimmune lymphoproliferative syndrome type 2; CASP10-Related Autoimmune Lymphoproliferative Syndrome; AUTOIMMUNE LYMPHOPROLIFERATIVE SYNDROME, TYPE IIA. Identifiers: Orphanet 3261, MedGen C1858968, MONDO:0011383, OMIM 603909.

Allele frequency attached by ClinVar (database versions not stated): gnomAD 0.00001; gnomAD exomes 0.00001.
gnomAD v4.1: 7 of 1,612,254 alleles (0.00043%); highest among the groups gnomAD compares: Middle Eastern, 0.016%; no homozygotes.

Submission:

Labcorp Genetics (formerly Invitae), Labcorp
Classification: Uncertain significance for Autoimmune lymphoproliferative syndrome type 2A. Last evaluated: 2025-03-26. Review status: criteria provided, single submitter. Criteria: Invitae Variant Classification Sherloc (09022015). Collection method: clinical testing. Allele origin: germline.
Comment: This sequence change replaces glutamic acid, which is acidic and polar, with lysine, which is basic and polar, at codon 333 of the CASP10 protein (p.Glu333Lys). This variant is present in population databases (no rsID available, gnomAD 0.002%). This variant has not been reported in the literature in individuals affected with CASP10-related conditions. ClinVar contains an entry for this variant (Variation ID: 1412165). Invitae Evidence Modeling of protein sequence and biophysical properties (such as structural, functional, and spatial information, amino acid conservation, physicochemical variation, residue mobility, and thermodynamic stability) indicates that this missense variant is not expected to disrupt CASP10 protein function with a negative predictive value of 80%. In summary, the available evidence is currently insufficient to determine the role of this variant in disease. Therefore, it has been classified as a Variant of Uncertain Significance.

NM_032977.4(CASP10):c.997G>A (p.Glu333Lys)

Gene: CASP10 (caspase 10; plus strand). Cytogenetic location: 2q33.1.
Variant type: single nucleotide variant.
Coding change: c.997G>A on transcript NM_032977.4 (MANE Select); coding-DNA position 997, G replaced by A.
Protein change: p.Glu333Lys; replaces glutamic acid 333 with lysine.
Molecular consequence: missense variant. On other transcripts: 3 prime UTR variant (1).
Genome position (GRCh38, 1-based): chr2:201,209,144, G>A. VCF-style: chr2-201209144-G-A. GRCh37 (hg19) VCF-style: chr2-202073867-G-A.
Other names: c.796G>A, p.Glu266Lys (NM_001206524.2); c.868G>A, p.Glu290Lys (NM_001206542.2, NM_001230.5); c.997G>A, p.Glu333Lys (NM_032974.5); c.*83G>A (NM_032976.4); short protein forms E333K, E266K, E290K.
Identifiers: ClinVar variation 1412165 (VCV001412165.8), dbSNP rs972778129, ClinGen allele CA63866003.
Genomic context (GRCh38, chr2:201,209,144, plus strand): 5'-GTGTTCCAGTGGCTTGGGTTCACAGTGCATATACACAATAATGTGACGAAAGTGGAAATG[G>A]AGATGGTCCTGCAGAAGCAGAAGTGCAATCCAGCCCATGCCGACGGGGACTGCTTCGTGT-3'
Protein context (NP_116759.2, residues 323-343): IHNNVTKVEM[Glu333Lys]MVLQKQKCNP